The following is an entry in ClinVar:

ClinVar aggregate classification (germline): Likely pathogenic. Review status: criteria provided, single submitter (1 of 4 stars). 2 submissions from 2 submitters: Likely pathogenic (1). 1 of the submissions does not count toward it. Last evaluated 2019-11-12.

Conditions:
Intellectual developmental disorder, autosomal dominant 50, with behavioral abnormalities. Also called: MENTAL RETARDATION, AUTOSOMAL DOMINANT 50; Intellectual disability, autosomal dominant 50. Identifiers: MedGen C4540470, MONDO:0030916, OMIM 617787.

Submissions (2):

New York Genome Center
Classification: Likely pathogenic for Intellectual developmental disorder, autosomal dominant 50, with behavioral abnormalities. Last evaluated: 2019-11-12. Review status: criteria provided, single submitter. Criteria: NYGC Assertion Criteria 2020. Collection method: clinical testing. Allele origin: de novo. Affected: yes. Observed: 1 heterozygote. Study: CSER-NYCKidSeq.
Comment: This variant substitutes a completely conserved adenine for cytosine at the canonical splice acceptor site within intron 1/19. This variant is absent from gnomAD and ExAC suggesting it is not a common benign variant in the populations represented in these databases. To our current knowledge has not been reported in affected individuals in the literature, however other nonsense, frameshift, and canonical splice variants have been reported.

Service de Génétique Moléculaire, Hôpital Robert Debré
Classification: Likely pathogenic for Intellectual developmental disorder, autosomal dominant 50, with behavioral abnormalities. Last evaluated: 2020-04-20. Review status: no assertion criteria provided. Collection method: clinical testing. Allele origin: de novo. Affected: yes. Not counted in ClinVar's aggregate classification.

NM_057175.5(NAA15):c.55-2A>C

Gene: NAA15 (N-alpha-acetyltransferase 15, NatA auxiliary subunit; plus strand). Cytogenetic location: 4q31.1.
Variant type: single nucleotide variant.
Coding change: c.55-2A>C on transcript NM_057175.5 (MANE Select); the canonical splice acceptor site of the intron before coding-DNA position 55, A replaced by C.
Molecular consequence: splice acceptor variant.
Genome position (GRCh38, 1-based): chr4:139,334,172, A>C. VCF-style: chr4-139334172-A-C. GRCh37 (hg19) VCF-style: chr4-140255326-A-C.
Other names: c.55-2A>C (NM_001410842.1).
Identifiers: ClinVar variation 977387 (VCV000977387.4), dbSNP rs2530351536, ClinGen allele CA358256951.